The following is an entry in ClinVar:

NM_022041.4(GAN):c.1048G>A (p.Asp350Asn)

Gene: GAN (gigaxonin; plus strand). Cytogenetic location: 16q23.2.
Variant type: single nucleotide variant.
Coding change: c.1048G>A on transcript NM_022041.4 (MANE Select); coding-DNA position 1048, G replaced by A.
Protein change: p.Asp350Asn; replaces aspartic acid 350 with asparagine.
Molecular consequence: missense variant.
Genome position (GRCh38, 1-based): chr16:81,362,573, G>A. VCF-style: chr16-81362573-G-A. GRCh37 (hg19) VCF-style: chr16-81396178-G-A.
Other names: c.409G>A, p.Asp137Asn (NM_001377486.1); short protein forms D137N, D350N.
Identifiers: ClinVar variation 2159608 (VCV002159608.4), dbSNP rs368407471, ClinGen allele CA8191586.

ClinVar aggregate classification (germline): Uncertain significance (1 of 4 stars; one submission).

Conditions:
Giant axonal neuropathy 1 (GAN1). Also called: GIANT AXONAL NEUROPATHY 1, AUTOSOMAL RECESSIVE; GAN-Related Neurodegeneration. Identifiers: Orphanet 643, MedGen C1850386, MONDO:0009749, OMIM 256850.

Allele frequency attached by ClinVar (database versions not stated): ExAC 0.00002; gnomAD 0.00003; TOPMed 0.00003; ESP Exome Variant Server 0.00015.
gnomAD v4.1: 7 of 1,605,078 alleles (0.00044%); highest among the groups gnomAD compares: African/African-American, 0.0094%; no homozygotes.

Submission:

Labcorp Genetics (formerly Invitae), Labcorp
Classification: Uncertain significance for Giant axonal neuropathy 1. Last evaluated: 2022-05-21. Review status: criteria provided, single submitter. Criteria: Invitae Variant Classification Sherloc (09022015). Collection method: clinical testing. Allele origin: germline.
Comment: Algorithms developed to predict the effect of missense changes on protein structure and function are either unavailable or do not agree on the potential impact of this missense change (SIFT: "Deleterious"; PolyPhen-2: "Benign"; Align-GVGD: "Class C0"). This variant has not been reported in the literature in individuals affected with GAN-related conditions. This variant is present in population databases (rs368407471, gnomAD 0.01%). This sequence change replaces aspartic acid, which is acidic and polar, with asparagine, which is neutral and polar, at codon 350 of the GAN protein (p.Asp350Asn). In summary, the available evidence is currently insufficient to determine the role of this variant in disease. Therefore, it has been classified as a Variant of Uncertain Significance.